The following is an entry in ClinVar:

NM_000302.4(PLOD1):c.976-262G>A

Gene: PLOD1 (procollagen-lysine,2-oxoglutarate 5-dioxygenase 1; plus strand). Cytogenetic location: 1p36.22.
Variant type: single nucleotide variant.
Coding change: c.976-262G>A on transcript NM_000302.4 (MANE Select); 262 bases into the intron before coding-DNA position 976, G replaced by A.
Molecular consequence: intron variant.
Genome position (GRCh38, 1-based): chr1:11,960,384, G>A. VCF-style: chr1-11960384-G-A. GRCh37 (hg19) VCF-style: chr1-12020441-G-A.
Other names: c.1117-262G>A (NM_001316320.2).
Identifiers: ClinVar variation 671373 (VCV000671373.1), dbSNP rs57286355, ClinGen allele CA18010168.

ClinVar aggregate classification (germline): Benign (1 of 4 stars; one submission).

Allele frequency attached by ClinVar (database versions not stated): 1000 Genomes Project 0.06689; TOPMed 0.07031; 1000 Genomes Project 30x 0.07339.
gnomAD v4.1: 9,863 of 152,282 alleles (6.5%); highest among the groups gnomAD compares: African/African-American, 22%; 1,052 homozygotes.

Submission:

GeneDx
Classification: Benign. Last evaluated: 2018-06-14. Review status: criteria provided, single submitter. Criteria: GeneDx Variant Classification (06012015). Collection method: clinical testing. Allele origin: germline. Affected: yes.
Comment: This variant is considered likely benign or benign based on one or more of the following criteria: it is a conservative change, it occurs at a poorly conserved position in the protein, it is predicted to be benign by multiple in silico algorithms, and/or has population frequency not consistent with disease.